The following is an entry in ClinVar:

Conditions:
Breast-ovarian cancer, familial, susceptibility to, 1 (BROVCA1). Also called: BRCA1 Hereditary Breast and Ovarian Cancer; OVARIAN CANCER, SUSCEPTIBILITY TO. Identifiers: Orphanet 145, MedGen C2676676, MONDO:0011450, OMIM 604370. Disease mechanism: loss of function.

Submission:

Brotman Baty Institute, University of Washington
No classification provided (evidence only). Condition: Breast-ovarian cancer, familial 1. Review status: no classification provided. Collection method: in vitro. Allele origin: not applicable. Functional consequence: functionally_normal.
ClinVar note: "not provided" was previously submitted as the classification for the variant. However, the classification appeared to be based only on an observation of functional data so it was converted to no classification on 2025-07-30.

NM_007294.4(BRCA1):c.5053A>T (p.Thr1685Ser)

Gene: BRCA1 (BRCA1 DNA repair associated; minus strand). Cytogenetic location: 17q21.31.
Variant type: single nucleotide variant.
Coding change: c.5053A>T on transcript NM_007294.4 (MANE Select); coding-DNA position 5053, A replaced by T.
Protein change: p.Thr1685Ser; replaces threonine 1685 with serine.
Molecular consequence: missense variant. On other transcripts: non-coding transcript variant (1).
Genome position (GRCh38, 1-based): chr17:43,067,629, T>A on the plus strand (A>T on the coding strand, the complement: BRCA1 is on the minus strand). VCF-style: chr17-43067629-T-A. GRCh37 (hg19) VCF-style: chr17-41219646-T-A.
Other names: c.4840A>T, p.Thr1614Ser (NM_001407571.1, NM_001407897.1, NM_001407898.1 and 12 more transcripts); c.5119A>T, p.Thr1707Ser (NM_001407581.1, NM_001407582.1); c.5116A>T, p.Thr1706Ser (NM_001407583.1, NM_001407585.1, NM_001407587.1 and 1 more transcripts); c.5113A>T, p.Thr1705Ser (NM_001407590.1, NM_001407591.1); c.5053A>T, p.Thr1685Ser (NM_001407593.1, NM_001407594.1, NM_001407596.1 and 8 more transcripts); c.5050A>T, p.Thr1684Ser (NM_001407610.1, NM_001407611.1, NM_001407612.1 and 17 more transcripts); c.5047A>T, p.Thr1683Ser (NM_001407627.1, NM_001407628.1, NM_001407629.1 and 14 more transcripts); c.5041A>T, p.Thr1681Ser (NM_001407646.1); and 70 more; short protein forms T1638S, T1706S, T581S, T1685S, T1389S, T1556S, T1557S, T1558S.
Identifiers: ClinVar variation 864884 (VCV000864884.3), dbSNP rs80356890, ClinGen allele CA10591412.